The following is an entry in ClinVar:

NM_001099274.3(TINF2):c.1307C>G (p.Ala436Gly)

Gene: TINF2 (TERF1 interacting nuclear factor 2; minus strand). Cytogenetic location: 14q12.
Variant type: single nucleotide variant.
Coding change: c.1307C>G on transcript NM_001099274.3 (MANE Select); coding-DNA position 1307, C replaced by G.
Protein change: p.Ala436Gly; replaces alanine 436 with glycine.
Molecular consequence: missense variant. On other transcripts: 3 prime UTR variant (1).
Genome position (GRCh38, 1-based): chr14:24,239,846, G>C on the plus strand (C>G on the coding strand, the complement: TINF2 is on the minus strand). VCF-style: chr14-24239846-G-C. GRCh37 (hg19) VCF-style: chr14-24709052-G-C.
Other names: c.1202C>G, p.Ala401Gly (NM_001363668.2); c.*569C>G (NM_012461.3); short protein forms A401G, A436G.
Identifiers: ClinVar variation 2763643 (VCV002763643.3), dbSNP rs369249473, ClinGen allele CA389219677.

ClinVar aggregate classification (germline): Uncertain significance (1 of 4 stars; one submission).

Conditions:
Dyskeratosis congenita. Identifiers: Orphanet 1775, MedGen C0265965, MONDO:0015780.

Submission:

Labcorp Genetics (formerly Invitae), Labcorp
Classification: Uncertain significance for Dyskeratosis congenita. Last evaluated: 2023-09-27. Review status: criteria provided, single submitter. Criteria: Invitae Variant Classification Sherloc (09022015). Collection method: clinical testing. Allele origin: germline.
Comment: In summary, the available evidence is currently insufficient to determine the role of this variant in disease. Therefore, it has been classified as a Variant of Uncertain Significance. Algorithms developed to predict the effect of missense changes on protein structure and function output the following: SIFT: "Not Available"; PolyPhen-2: "Benign"; Align-GVGD: "Not Available". The glycine amino acid residue is found in multiple mammalian species, which suggests that this missense change does not adversely affect protein function. This variant has not been reported in the literature in individuals affected with TINF2-related conditions. This variant is not present in population databases (gnomAD no frequency). This sequence change replaces alanine, which is neutral and non-polar, with glycine, which is neutral and non-polar, at codon 436 of the TINF2 protein (p.Ala436Gly).